The following is an entry in ClinVar:

ClinVar aggregate classification (germline): Uncertain significance. Review status: criteria provided, multiple submitters, no conflicts (2 of 4 stars). 2 submissions from 2 submitters: Uncertain significance (2). Last evaluated 2026-05-11.

Conditions:
Hereditary cancer-predisposing syndrome. Also called: Neoplastic Syndromes, Hereditary; Tumor predisposition; Hereditary Cancer Syndrome; Hereditary neoplastic syndrome. Identifiers: Orphanet 140162, MedGen C0027672, MeSH D009386, MONDO:0015356.
EGFR-related lung cancer (EGFR). Identifiers: MedGen CN130014.

Submissions (2):

Ambry Genetics
Classification: Uncertain significance for Hereditary cancer-predisposing syndrome. Last evaluated: 2026-05-11. Review status: criteria provided, single submitter. Criteria: Ambry Variant Classification Scheme 2023. Collection method: clinical testing. Allele origin: germline.
Comment: The p.P637L variant (also known as c.1910C>T), located in coding exon 16 of the EGFR gene, results from a C to T substitution at nucleotide position 1910. The proline at codon 637 is replaced by leucine, an amino acid with similar properties. This amino acid position is poorly conserved in available vertebrate species. In addition, this alteration is predicted to be tolerated by in silico analysis. Based on the available evidence, the clinical significance of this variant remains unclear.

Labcorp Genetics (formerly Invitae), Labcorp
Classification: Uncertain significance for EGFR-related lung cancer. Last evaluated: 2022-02-20. Review status: criteria provided, single submitter. Criteria: Invitae Variant Classification Sherloc (09022015). Collection method: clinical testing. Allele origin: germline.
Comment: This variant is not present in population databases (gnomAD no frequency). This variant has not been reported in the literature in individuals affected with EGFR-related conditions. This sequence change replaces proline, which is neutral and non-polar, with leucine, which is neutral and non-polar, at codon 637 of the EGFR protein (p.Pro637Leu). Algorithms developed to predict the effect of missense changes on protein structure and function (SIFT, PolyPhen-2, Align-GVGD) all suggest that this variant is likely to be tolerated. In summary, the available evidence is currently insufficient to determine the role of this variant in disease. Therefore, it has been classified as a Variant of Uncertain Significance.

NM_005228.5(EGFR):c.1910C>T (p.Pro637Leu)

Gene: EGFR (epidermal growth factor receptor; plus strand). Cytogenetic location: 7p11.2.
Variant type: single nucleotide variant.
Coding change: c.1910C>T on transcript NM_005228.5 (MANE Select); coding-DNA position 1910, C replaced by T.
Protein change: p.Pro637Leu; replaces proline 637 with leucine.
Molecular consequence: missense variant.
Genome position (GRCh38, 1-based): chr7:55,171,204, C>T. VCF-style: chr7-55171204-C-T. GRCh37 (hg19) VCF-style: chr7-55238897-C-T.
Other names: c.1775C>T, p.Pro592Leu (NM_001346897.2, NM_001346899.2); c.1910C>T, p.Pro637Leu (NM_001346898.2); c.1751C>T, p.Pro584Leu (NM_001346900.2); c.1109C>T, p.Pro370Leu (NM_001346941.2); short protein forms P370L, P584L, P637L, P592L.
Identifiers: ClinVar variation 2099236 (VCV002099236.5), dbSNP rs2128951406, ClinGen allele CA367582302.